The following is an entry in ClinVar:

ClinVar aggregate classification (germline): Benign. Review status: criteria provided, multiple submitters, no conflicts (2 of 4 stars). 2 submissions from 2 submitters: Benign (2). Last evaluated 2018-01-12.

Conditions:
Fraser syndrome 1 (FRASRS1). Also called: CRYPTOPHTHALMOS WITH OTHER MALFORMATIONS. Identifiers: Orphanet 2052, MedGen C4551480, MONDO:0054737, OMIM 219000.

Allele frequency attached by ClinVar (database versions not stated): gnomAD exomes 0.37500; TOPMed 0.64077; gnomAD 0.64399 and 0.64895; 1000 Genomes Project 30x 0.65615; 1000 Genomes Project 0.66174.
gnomAD v4.1: 98,688 of 152,118 alleles (65%); highest among the groups gnomAD compares: East Asian, 83%; 32,171 homozygotes.

Submissions (2):

Illumina Laboratory Services, Illumina
Classification: Benign for Fraser syndrome 1. Last evaluated: 2018-01-12. Review status: criteria provided, single submitter. Criteria: ICSL Variant Classification Criteria 13 December 2019. Collection method: clinical testing. Allele origin: germline.
Comment: This variant was observed in the ICSL laboratory as part of a predisposition screen in an ostensibly healthy population. It had not been previously curated by ICSL or reported in the Human Gene Mutation Database (HGMD: prior to June 1st, 2018), and was therefore a candidate for classification through an automated scoring system. Utilizing variant allele frequency, disease prevalence and penetrance estimates, and inheritance mode, an automated score was calculated to assess if this variant is too frequent to cause the disease. Based on the score and internal cut-off values, a variant classified as benign is not then subjected to further curation. The score for this variant resulted in a classification of benign for this disease.

Breakthrough Genomics
Classification: Benign. Review status: criteria provided, single submitter. Criteria: ACMG Guidelines, 2015. Collection method: not provided. Allele origin: germline. Inheritance: Autosomal recessive inheritance. Affected: yes.

NM_025074.7(FRAS1):c.*2489T>C

Gene: FRAS1 (Fraser extracellular matrix complex subunit 1; plus strand). Cytogenetic location: 4q21.21.
Variant type: single nucleotide variant.
Coding change: c.*2489T>C on transcript NM_025074.7 (MANE Select); 2489 bases downstream of the stop codon, T replaced by C.
Molecular consequence: 3 prime UTR variant.
Genome position (GRCh38, 1-based): chr4:78,543,613, T>C. VCF-style: chr4-78543613-T-C. GRCh37 (hg19) VCF-style: chr4-79464767-T-C.
Identifiers: ClinVar variation 349861 (VCV000349861.6), dbSNP rs11098227, ClinGen allele CA10619345.